The following is an entry in ClinVar:

NM_000784.4(CYP27A1):c.721G>A (p.Val241Ile)

Gene: CYP27A1 (cytochrome P450 family 27 subfamily A member 1; plus strand). Cytogenetic location: 2q35.
Variant type: single nucleotide variant.
Coding change: c.721G>A on transcript NM_000784.4 (MANE Select); coding-DNA position 721, G replaced by A.
Protein change: p.Val241Ile; replaces valine 241 with isoleucine.
Molecular consequence: missense variant.
Genome position (GRCh38, 1-based): chr2:218,812,626, G>A. VCF-style: chr2-218812626-G-A. GRCh37 (hg19) VCF-style: chr2-219677349-G-A.
Other names: c.721G>A (NM_000784.3); short protein forms V241I.
Identifiers: ClinVar variation 594815 (VCV000594815.7), dbSNP rs369660141, ClinGen allele CA65833242.

ClinVar aggregate classification (germline): Conflicting classifications of pathogenicity. Review status: criteria provided, conflicting classifications (1 of 4 stars). 3 submissions from 3 submitters: Uncertain significance (2); Likely benign (1). Last evaluated 2026-05-24.

Conditions:
Cardiovascular phenotype. Identifiers: MedGen CN230736.
Cholestanol storage disease (CTX). Also called: CTX: Cerebrotendinous xanthomatosis; CEREBRAL CHOLESTERINOSIS; Cerebrotendinous Xanthomatosis. Identifiers: Orphanet 909, MedGen C0238052, MONDO:0008948, OMIM 213700.

Allele frequency attached by ClinVar (database versions not stated): ESP Exome Variant Server 0.00008; TOPMed 0.00001.

Submissions (3):

Ambry Genetics
Classification: Likely benign for Cardiovascular phenotype. Last evaluated: 2026-05-24. Review status: criteria provided, single submitter. Criteria: Ambry Variant Classification Scheme 2023. Collection method: clinical testing. Allele origin: germline.

Labcorp Genetics (formerly Invitae), Labcorp
Classification: Uncertain significance for Cholestanol storage disease. Last evaluated: 2021-11-04. Review status: criteria provided, single submitter. Criteria: Invitae Variant Classification Sherloc (09022015). Collection method: clinical testing. Allele origin: germline.
Comment: This sequence change replaces valine, which is neutral and non-polar, with isoleucine, which is neutral and non-polar, at codon 241 of the CYP27A1 protein (p.Val241Ile). This variant is not present in population databases (gnomAD no frequency). This variant has not been reported in the literature in individuals affected with CYP27A1-related conditions. ClinVar contains an entry for this variant (Variation ID: 594815). Advanced modeling of protein sequence and biophysical properties (such as structural, functional, and spatial information, amino acid conservation, physicochemical variation, residue mobility, and thermodynamic stability) performed at Invitae indicates that this missense variant is not expected to disrupt CYP27A1 protein function. In summary, the available evidence is currently insufficient to determine the role of this variant in disease. Therefore, it has been classified as a Variant of Uncertain Significance.

Eurofins Ntd Llc (ga)
Classification: Uncertain significance. Last evaluated: 2017-11-02. Review status: criteria provided, single submitter. Criteria: EGL Classification Definitions 2015. Collection method: clinical testing. Allele origin: germline. Observed: 1 variant allele, 1 heterozygote.